The following is an entry in ClinVar:

ClinVar aggregate classification (germline): Uncertain significance (1 of 4 stars; one submission).

Conditions:
Carney-Stratakis syndrome. Also called: PARAGANGLIOMA AND GASTROINTESTINAL STROMAL TUMOR. Identifiers: Orphanet 97286, MedGen C1847319, MONDO:0011740, OMIM 606864.
Paragangliomas with sensorineural hearing loss. Identifiers: MedGen C1868633.
Cowden syndrome 3 (CWS3). Identifiers: Orphanet 201, MedGen CN166604, MONDO:0014045.
Pheochromocytoma. Also called: MAX-Related Hereditary Paraganglioma-Pheochromocytoma Syndrome. Identifiers: Orphanet 29072, MedGen C0031511, MONDO:0008233, OMIM 171300, HP:0002666.

Submission:

Labcorp Genetics (formerly Invitae), Labcorp
Classification: Uncertain significance for Carney-Stratakis syndrome; Paragangliomas with sensorineural hearing loss; Pheochromocytoma; Cowden syndrome 3. Last evaluated: 2021-10-27. Review status: criteria provided, single submitter. Criteria: Invitae Variant Classification Sherloc (09022015). Collection method: clinical testing. Allele origin: germline.
Comment: This variant results in a copy number gain of the genomic region encompassing exon(s) 1-3 of the SDHD gene. This region includes the initiator codon of the gene. This copy number gain extends beyond the assayed region for this gene and therefore may encompass additional genes. As the precise location of this event is unknown, it may be in tandem or it may be located elsewhere in the genome. This variant has not been reported in the literature in individuals affected with SDHD-related conditions. Experimental studies and prediction algorithms are not available or were not evaluated, and the functional significance of this variant is currently unknown. In summary, the available evidence is currently insufficient to determine the role of this variant in disease. Therefore, it has been classified as a Variant of Uncertain Significance.

NC_000011.9:g.(?_111957547)_(111959745_?)dup

Gene: SDHD (succinate dehydrogenase complex subunit D; plus strand). Cytogenetic location: 11q23.1.
Variant type: Duplication.
Identifiers: ClinVar variation 2424603 (VCV002424603.4).